The following is an entry in ClinVar:

ClinVar aggregate classification (germline): Conflicting classifications of pathogenicity. Review status: criteria provided, conflicting classifications (1 of 4 stars). 13 submissions from 13 submitters: Uncertain significance (9); Likely benign (2). 2 of the submissions do not count toward it. Last evaluated 2026-01-31.

Conditions:
Familial cancer of breast. Also called: BREAST CANCER, FAMILIAL; Hereditary breast cancer; hereditary breast carcinoma. Identifiers: Orphanet 227535, MedGen C0346153, MONDO:0016419, OMIM 114480. Disease mechanism: loss of function.
Breast-ovarian cancer, familial, susceptibility to, 2 (BROVCA2). Also called: BRCA2 Hereditary Breast and Ovarian Cancer. Identifiers: Orphanet 145, MedGen C2675520, MONDO:0012933, OMIM 612555. Disease mechanism: loss of function.
Wilms tumor 1 (WT1). Also called: Wilms tumor, somatic. Identifiers: Orphanet 654, MedGen CN033288, MONDO:0008679, OMIM 194070.
Prostate cancer. Also called: Malignant tumor of prostate. Identifiers: Orphanet 1331, MedGen C0376358, MONDO:0008315, HP:0012125.
Fanconi anemia complementation group D1. Also called: BRCA2-Related Fanconi Anemia. Identifiers: Orphanet 319462, MedGen C1838457, MONDO:0011584, OMIM 605724.
Medulloblastoma (MDB). Also called: Medulloblastoma, somatic; MEDULLOBLASTOMA PREDISPOSITION SYNDROME. Identifiers: Orphanet 616, MedGen C0025149, MeSH D008527, MONDO:0007959, OMIM 155255, HP:0002885.
Pancreatic cancer, susceptibility to, 2. Identifiers: Orphanet 1333, MedGen C3150546, MONDO:0013235, OMIM 613347.
Glioma susceptibility 3 (GLM3). Also called: Glioblastoma 3. Identifiers: Orphanet 182067, Orphanet 360, MedGen C2751641, MONDO:0013093, OMIM 613029.
Hereditary cancer-predisposing syndrome. Also called: Hereditary Cancer Syndrome; Tumor predisposition; Hereditary neoplastic syndrome; Neoplastic Syndromes, Hereditary. Identifiers: Orphanet 140162, MedGen C0027672, MeSH D009386, MONDO:0015356.
Hereditary breast ovarian cancer syndrome. Also called: Hereditary breast and/or ovarian cancer syndrome; Hereditary breast and ovarian cancer syndrome; Hereditary breast and ovarian cancer syndrome (HBOC); Hereditary breast and ovarian cancer; Breast and ovarian cancer; BRCA1- and BRCA2-Associated Hereditary Breast and Ovarian Cancer. Identifiers: Orphanet 145, MedGen C0677776, MeSH D061325, MONDO:0003582. Disease mechanism: loss of function.

Submissions (13):

Labcorp Genetics (formerly Invitae), Labcorp
Classification: Likely benign for Hereditary breast ovarian cancer syndrome. Last evaluated: 2026-01-31. Review status: criteria provided, single submitter. Criteria: Invitae Variant Classification Sherloc (09022015). Collection method: clinical testing. Allele origin: germline.

Women's Health and Genetics/Laboratory Corporation of America, LabCorp
Classification: Uncertain significance. Last evaluated: 2025-04-10. Review status: criteria provided, single submitter. Criteria: LabCorp Variant Classification Summary - May 2015. Collection method: clinical testing. Allele origin: germline.
Comment: Variant summary: BRCA2 c.9113_9115dupTAC (p.Leu3038dup) results in an in-frame duplication that is predicted to duplicate one amino acid into the encoded protein. Consensus agreement among computation tools predict no significant impact on normal splicing. However, these predictions have yet to be confirmed by functional studies. The variant allele was found at a frequency of 1.2e-05 in 248918 control chromosomes. The available data on variant occurrences in the general population are insufficient to allow any conclusion about variant significance. c.9113_9115dupTAC has been reported in the literature in an individual affected with Breast Cancer (Perez-Ibave_2023). These report(s) do not provide unequivocal conclusions about association of the variant with Hereditary Breast And Ovarian Cancer Syndrome. To our knowledge, no experimental evidence demonstrating an impact on protein function has been reported. The following publication has been ascertained in the context of this evaluation (PMID: 36833268). ClinVar contains an entry for this variant (Variation ID: 126201). Based on the evidence outlined above, the variant was classified as uncertain significance.

Quest Diagnostics Nichols Institute San Juan Capistrano
Classification: Uncertain significance. Last evaluated: 2025-02-28. Review status: criteria provided, single submitter. Criteria: Quest Diagnostics criteria. Collection method: clinical testing. Allele origin: unknown.
Comment: The BRCA2 c.9113_9115dup (p.Leu3038dup) variant has been reported in the published literature in an individual with breast cancer (PMID: 36833268 (2023)). The frequency of this variant in the general population (Genome Aggregation Database) is uninformative in the assessment of its pathogenicity. Based on the available information, we are unable to determine the clinical significance of this variant.

Ambry Genetics
Classification: Uncertain significance for Hereditary cancer-predisposing syndrome. Last evaluated: 2024-12-05. Review status: criteria provided, single submitter. Criteria: Ambry Variant Classification Scheme 2023. Collection method: clinical testing. Allele origin: germline.
Comment: The c.9113_9115dupTAC variant (also known as p.L3038dup), located in coding exon 22 of the BRCA2 gene, results from an in-frame duplication of TAC at nucleotide positions 9113 to 9115. This results in the duplication of an extra residue between codons 3038 and 3039. This amino acid position is well conserved in available vertebrate species. In addition, this alteration is predicted to be neutral by in silico analysis (Choi Y et al. PLoS ONE. 2012; 7(10):e46688). Since supporting evidence is limited at this time, the clinical significance of this alteration remains unclear.

ARUP Laboratories, Molecular Genetics and Genomics, ARUP Laboratories
Classification: Likely benign. Last evaluated: 2023-11-22. Review status: criteria provided, single submitter. Criteria: ARUP Molecular Germline Variant Investigation Process 2024. Collection method: clinical testing. Allele origin: germline.

Baylor Genetics
Classification: Uncertain significance for Familial cancer of breast. Last evaluated: 2023-11-03. Review status: criteria provided, single submitter. Criteria: ACMG Guidelines, 2015. Collection method: clinical testing. Allele origin: unknown.

All of Us Research Program, National Institutes of Health
Classification: Uncertain significance for Breast-ovarian cancer, familial, susceptibility to, 2. Last evaluated: 2023-11-02. Review status: criteria provided, single submitter. Criteria: ACMG Guidelines, 2015. Collection method: clinical testing. Allele origin: germline. Inheritance: Autosomal dominant inheritance. Observed: 1 variant allele, 1 heterozygote.
Comment: This variant causes an in-frame duplication of amino acid leucine 3038 in the BRCA2 protein. To our knowledge, functional studies have not been reported for this variant. This variant has not been reported in individuals affected with hereditary cancer in the literature. This variant has been identified in 4/280326 chromosomes in the general population by the Genome Aggregation Database (gnomAD). The available evidence is insufficient to determine the role of this variant in disease conclusively. Therefore, this variant is classified as a Variant of Uncertain Significance.

This study involves interpretation of variants in research participants for the purpose of population health screening. Participant phenotype was not available at the time of variant classification. Additional details can be found in publication PMID: 35346344, PMCID: PMC8962531

Color Diagnostics, LLC DBA Color Health
Classification: Uncertain significance for Hereditary cancer-predisposing syndrome. Last evaluated: 2023-10-12. Review status: criteria provided, single submitter. Criteria: ACMG Guidelines, 2015. Collection method: clinical testing. Allele origin: germline.
Comment: This variant causes an in-frame duplication of amino acid leucine 3038 in the BRCA2 protein. To our knowledge, functional studies have not been reported for this variant. This variant has not been reported in individuals affected with hereditary cancer in the literature. This variant has been identified in 4/280326 chromosomes in the general population by the Genome Aggregation Database (gnomAD). The available evidence is insufficient to determine the role of this variant in disease conclusively. Therefore, this variant is classified as a Variant of Uncertain Significance.

Department of Pathology and Laboratory Medicine, Sinai Health System
Classification: Uncertain significance for Familial cancer of breast; Breast-ovarian cancer, familial, susceptibility to, 2. Last evaluated: 2022-03-31. Review status: criteria provided, single submitter. Criteria: ACMG Guidelines, 2015. Collection method: clinical testing. Allele origin: germline. Affected: yes.

Fulgent Genetics
Classification: Uncertain significance for Familial cancer of breast; Medulloblastoma; Familial prostate cancer; Wilms tumor 1; Fanconi anemia complementation group D1; Breast-ovarian cancer, familial, susceptibility to, 2; Glioma susceptibility 3; Pancreatic cancer, susceptibility to, 2. Last evaluated: 2021-10-21. Review status: criteria provided, single submitter. Criteria: ACMG Guidelines, 2015. Collection method: clinical testing. Allele origin: unknown.

GeneDx
Classification: Uncertain significance. Last evaluated: 2021-07-08. Review status: criteria provided, single submitter. Criteria: GeneDx Variant Classification Process June 2021. Collection method: clinical testing. Allele origin: germline. Affected: yes.
Comment: Not observed at significant frequency in large population cohorts (Lek et al., 2016); Has not been previously published as pathogenic or benign to our knowledge; This variant is associated with the following publications: (PMID: 12228710, 27535533)

Counsyl
Classification: Uncertain significance for Breast-ovarian cancer, familial, susceptibility to, 2. Last evaluated: 2016-02-18. Review status: no assertion criteria provided. Collection method: clinical testing. Allele origin: unknown. Not counted in ClinVar's aggregate classification.

Breast Cancer Information Core (BIC) (BRCA2)
Classification: Uncertain significance for Breast-ovarian cancer, familial 2. Last evaluated: 2004-02-20. Review status: no assertion criteria provided. Collection method: clinical testing. Allele origin: germline. Affected: yes. Observed: 1 variant allele. Not counted in ClinVar's aggregate classification.

Literature cited by the submitters: PubMed 36833268 (cited by Women's Health and Genetics/Laboratory Corporation of America, LabCorp and Quest Diagnostics Nichols Institute San Juan Capistrano).

NM_000059.4(BRCA2):c.9113_9115dup (p.Leu3038dup)

Gene: BRCA2 (BRCA2 DNA repair associated; plus strand). Cytogenetic location: 13q13.1.
Variant type: Duplication.
Coding change: c.9113_9115dup on transcript NM_000059.4 (MANE Select); coding-DNA positions 9113 to 9115, 3 bases duplicated (TAC; older notation c.9113_9115dupTAC).
Protein change: p.Leu3038dup; duplicates leucine 3038.
Molecular consequence: inframe insertion.
Genome position (GRCh38, 1-based): chr13:32,379,909-32,379,911, TAC duplicated; duplicating any 3 consecutive bases within chr13:32,379,907-32,379,911 gives the same sequence; the c. name uses the placement nearest the transcript's 3' end. VCF-style (leftmost placement, unchanged base first): chr13-32379906-A-AACT. GRCh37 (hg19) VCF-style: chr13-32954043-A-AACT.
Other names: L3039ins; c.9113_9115dupTAC (NM_000059.4, NM_000059.3); c.9113_9115dup, p.Leu3038dup (LRG_293t1).
Identifiers: ClinVar variation 126201 (VCV000126201.37), dbSNP rs80359749, ClinGen allele CA025986.
Genomic context (GRCh38, chr13:32,379,906, plus strand): 5'-AAAGTAAATCTGAAAGAGCTAACATACAGTTAGCAGCGACAAAAAAAACTCAGTATCAAC[A>AACT]ACTACCGGTACAAACCTTTCATTGTAATTTTTCAGTTTTGATAAGTGCTTGTTAGTTTAT-3'